The following is an entry in ClinVar:

ClinVar aggregate classification (germline): Uncertain significance (1 of 4 stars; one submission).

Conditions:
Classic or attenuated familial adenomatous polyposis. Identifiers: MedGen CN372698, MONDO:0021057.

gnomAD v4.1: 1 of 1,613,608 alleles (0.000062%); highest among the groups gnomAD compares: Non-Finnish European, 0.000085%; no homozygotes.

Submission:

All of Us Research Program, National Institutes of Health
Classification: Uncertain significance for Classic or attenuated familial adenomatous polyposis. Last evaluated: 2024-03-05. Review status: criteria provided, single submitter. Criteria: ACMG Guidelines, 2015. Collection method: clinical testing. Allele origin: germline. Inheritance: Autosomal dominant inheritance. Observed: 1 variant allele, 1 heterozygote.
Comment: This study involves interpretation of variants in research participants for the purpose of population health screening. Participant phenotype was not available at the time of variant classification. Additional details can be found in publication PMID: 35346344, PMCID: PMC8962531

NM_000038.6(APC):c.7663T>A (p.Ser2555Thr)

Gene: APC (APC regulator of WNT signaling pathway; plus strand). Cytogenetic location: 5q22.2.
Variant type: single nucleotide variant.
Coding change: c.7663T>A on transcript NM_000038.6 (MANE Select); coding-DNA position 7663, T replaced by A.
Protein change: p.Ser2555Thr; replaces serine 2555 with threonine.
Molecular consequence: missense variant. On other transcripts: non-coding transcript variant (2).
Genome position (GRCh38, 1-based): chr5:112,843,257, T>A. VCF-style: chr5-112843257-T-A. GRCh37 (hg19) VCF-style: chr5-112178954-T-A.
Other names: c.7663T>A, p.Ser2555Thr (NM_001127510.3, NM_001354895.2, NM_001407450.1); c.7609T>A, p.Ser2537Thr (NM_001127511.3); c.7717T>A, p.Ser2573Thr (NM_001354896.2, NM_001407447.1, NM_001407448.1 and 1 more transcripts); c.7693T>A, p.Ser2565Thr (NM_001354897.2); c.7588T>A, p.Ser2530Thr (NM_001354898.2); c.7579T>A, p.Ser2527Thr (NM_001354899.2); c.7540T>A, p.Ser2514Thr (NM_001354900.2); c.7486T>A, p.Ser2496Thr (NM_001354901.2, NM_001407453.1); and 11 more; short protein forms S2171T, S2272T, S2395T, S2426T, S2429T, S2454T, S2464T, S2472T.
Identifiers: ClinVar variation 3387080 (VCV003387080.1).